The following is an entry in ClinVar:

NM_003482.4(KMT2D):c.10858A>C (p.Ser3620Arg)

Gene: KMT2D (lysine methyltransferase 2D; minus strand). Cytogenetic location: 12q13.12.
Variant type: single nucleotide variant.
Coding change: c.10858A>C on transcript NM_003482.4 (MANE Select); coding-DNA position 10858, A replaced by C.
Protein change: p.Ser3620Arg; replaces serine 3620 with arginine.
Molecular consequence: missense variant.
Genome position (GRCh38, 1-based): chr12:49,033,847, T>G on the plus strand (A>C on the coding strand, the complement: KMT2D is on the minus strand). VCF-style: chr12-49033847-T-G. GRCh37 (hg19) VCF-style: chr12-49427630-T-G.
Other names: short protein forms S3620R.
Identifiers: ClinVar variation 5023391 (VCV005023391.1).

ClinVar aggregate classification (germline): Uncertain significance (1 of 4 stars; one submission).

Conditions:
Inborn genetic diseases. Identifiers: MedGen C0950123, MeSH D030342.

Submission:

Ambry Genetics
Classification: Uncertain significance for Inborn genetic diseases. Last evaluated: 2026-08-27. Review status: criteria provided, single submitter. Criteria: Ambry Variant Classification Scheme 2023. Collection method: clinical testing. Allele origin: germline.
Comment: The c.10858A>C (p.S3620R) alteration is located in exon 39 (coding exon 39) of the KMT2D gene. This alteration results from a A to C substitution at nucleotide position 10858, causing the serine (S) at amino acid position 3620 to be replaced by an arginine (R). Based on data from gnomAD, the C allele has an overall frequency of <0.001% (0/181096) total alleles studied. The highest observed frequency was <0.001% (/) of alleles. Based on insufficient or conflicting evidence, the clinical significance of this alteration remains unclear.